The following is an entry in ClinVar:

ClinVar aggregate classification (germline): Likely benign. Review status: criteria provided, single submitter (1 of 4 stars). 2 submissions from 2 submitters: Likely benign (1). 1 of the submissions does not count toward it. Last evaluated 2022-05-31.

Conditions:
BLTP1-related disorder. Also called: BLTP1-related condition.

Allele frequency attached by ClinVar (database versions not stated): gnomAD exomes 0.00005; 1000 Genomes Project 30x 0.00016; 1000 Genomes Project 0.00020; ExAC 0.00026; ESP Exome Variant Server 0.00042; gnomAD 0.00064; TOPMed 0.00080.
gnomAD v4.1: 177 of 1,612,634 alleles (0.011%); highest among the groups gnomAD compares: African/African-American, 0.21%; no homozygotes.

Submissions (2):

Ambry Genetics
Classification: Likely benign. Last evaluated: 2022-05-31. Review status: criteria provided, single submitter. Criteria: Ambry Variant Classification Scheme 2023. Collection method: clinical testing. Allele origin: germline.

PreventionGenetics, part of Exact Sciences
Classification: Likely benign for BLTP1-related condition. Last evaluated: 2023-06-07. Review status: no assertion criteria provided. Collection method: clinical testing. Allele origin: germline. Not counted in ClinVar's aggregate classification.
Comment: This variant is classified as likely benign based on ACMG/AMP sequence variant interpretation guidelines (Richards et al. 2015 PMID: 25741868, with internal and published modifications).

NM_001384125.1(BLTP1):c.14957T>C (p.Ile4986Thr)

Gene: BLTP1 (bridge-like lipid transfer protein family member 1; plus strand). Cytogenetic location: 4q27.
Variant type: single nucleotide variant.
Coding change: c.14957T>C on transcript NM_001384125.1 (MANE Select); coding-DNA position 14957, T replaced by C.
Protein change: p.Ile4986Thr; replaces isoleucine 4986 with threonine.
Molecular consequence: missense variant.
Genome position (GRCh38, 1-based): chr4:122,359,614, T>C. VCF-style: chr4-122359614-T-C. GRCh37 (hg19) VCF-style: chr4-123280769-T-C.
Other names: c.14693T>C, p.Ile4898Thr (NM_015312.4); short protein forms I4898T, I4986T.
Identifiers: ClinVar variation 3052072 (VCV003052072.3), dbSNP rs189944216, ClinGen allele CA3068457.
Genomic context (GRCh38, chr4:122,359,614, plus strand): 5'-TAGCCATCTTTCCACCTCGGATTTTATCTACTCGACCAGGACAAAAAAGTCCAATTATTA[T>C]ACATGACGACAATTCCTCTGATAAAGATAGAGAAGATAGCATCACTTATACTACTGTGGA-3'
Protein context (NP_001371054.1, residues 4976-4996): TRPGQKSPII[Ile4986Thr]HDDNSSDKDR